The following is an entry in ClinVar:

ClinVar aggregate classification (germline): Conflicting classifications of pathogenicity. Review status: criteria provided, conflicting classifications (1 of 4 stars). 3 submissions from 3 submitters: Likely pathogenic (1); Uncertain significance (2). Last evaluated 2025-04-30.

Conditions:
MECOM-related disorder. Also called: MECOM-related condition.
MECOM-associated syndrome. Identifiers: MedGen CN305607, MONDO:0100458.

Submissions (3):

Wendy Chung Laboratory, Boston Children's Hospital
Classification: Likely pathogenic for MECOM-associated syndrome. Last evaluated: 2025-04-30. Review status: criteria provided, single submitter. Criteria: ACMG Guidelines, 2015. Collection method: research. Allele origin: de novo. Affected: yes. Observed: 1 variant allele.
Comment: NM_0004991.4:c.2852G>A; p.(Cys951Tyr) is a DNA single guanine to alanine base substitution missense variant. The variant is absent from gnomAD v.4.1 (PM2_supporting) and was assumed de novo (father not available for testing, PM6). The variant is located in a conserved zinc finger domain (PMID: 19767769) (PM1). MECOM has a low rate of benign missense variation and missense variants are a common mechanism of MECOM-associated syndrome (PP2). Multiple lines of compuational evidence supprt a deleterious effect (AlphaMissense = 1, CADD = 32) (PP3).

PreventionGenetics, part of Exact Sciences
Classification: Uncertain significance for MECOM-related condition. Last evaluated: 2025-01-11. Review status: criteria provided, single submitter. Criteria: ACMG Guidelines, 2015. Collection method: clinical testing. Allele origin: germline.
Comment: The MECOM c.2852G>A variant is predicted to result in the amino acid substitution p.Cys951Tyr. To our knowledge, this variant has not been reported in the literature or in a large population database (gnomAD), indicating this variant is rare. At this time, the clinical significance of this variant is uncertain due to the absence of conclusive functional and genetic evidence.

GeneDx
Classification: Uncertain significance. Last evaluated: 2024-08-21. Review status: criteria provided, single submitter. Criteria: GeneDx Variant Classification Process June 2021. Collection method: clinical testing. Allele origin: germline. Affected: yes.
Comment: Not observed at significant frequency in large population cohorts (gnomAD); In silico analysis supports that this missense variant has a deleterious effect on protein structure/function; Has not been previously published as pathogenic or benign to our knowledge

Literature cited by the submitters: PubMed 19767769 (cited by Wendy Chung Laboratory, Boston Children's Hospital).

NM_004991.4(MECOM):c.2852G>A (p.Cys951Tyr)

Gene: MECOM (MDS1 and EVI1 complex locus; minus strand). Cytogenetic location: 3q26.2.
Variant type: single nucleotide variant.
Coding change: c.2852G>A on transcript NM_004991.4 (MANE Select); coding-DNA position 2852, G replaced by A.
Protein change: p.Cys951Tyr; replaces cysteine 951 with tyrosine.
Molecular consequence: missense variant.
Genome position (GRCh38, 1-based): chr3:169,095,243, C>T on the plus strand (G>A on the coding strand, the complement: MECOM is on the minus strand). VCF-style: chr3-169095243-C-T. GRCh37 (hg19) VCF-style: chr3-168813031-C-T.
Other names: c.2483G>A, p.Cys828Tyr (NM_001105077.4); c.2288G>A, p.Cys763Tyr (NM_001105078.4, NM_001205194.2, NM_001366469.2 and 1 more transcripts); c.2264G>A, p.Cys755Tyr (NM_001163999.2, NM_001366470.2); c.2261G>A, p.Cys754Tyr (NM_001164000.2, NM_001366471.2, NM_001366472.2); c.2825G>A, p.Cys942Tyr (NM_001366466.2); c.2291G>A, p.Cys764Tyr (NM_001366467.2, NM_001366468.2); c.1853G>A, p.Cys618Tyr (NM_001366473.2); c.1289G>A, p.Cys430Tyr (NM_001366474.2); and 1 more; short protein forms C430Y, C618Y, C754Y, C755Y, C763Y, C764Y, C828Y, C942Y.
Identifiers: ClinVar variation 3764199 (VCV003764199.3).